The following is an entry in ClinVar:

NM_206933.4(USH2A):c.396C>A (p.His132Gln)

Gene: USH2A (usherin; minus strand). Cytogenetic location: 1q41.
Variant type: single nucleotide variant.
Coding change: c.396C>A on transcript NM_206933.4 (MANE Select); coding-DNA position 396, C replaced by A.
Protein change: p.His132Gln; replaces histidine 132 with glutamine.
Molecular consequence: missense variant.
Genome position (GRCh38, 1-based): chr1:216,421,941, G>T on the plus strand (C>A on the coding strand, the complement: USH2A is on the minus strand). VCF-style: chr1-216421941-G-T. GRCh37 (hg19) VCF-style: chr1-216595283-G-T.
Other names: c.396C>A, p.His132Gln (NM_007123.6); short protein forms H132Q.
Identifiers: ClinVar variation 1470590 (VCV001470590.5), dbSNP rs1332733047, ClinGen allele CA344903994.
Genomic context (GRCh38, chr1:216,421,941, plus strand): 5'-TACAGCTAAGGTAAATGATGCCATCAGCTTTGGAGAAGGAGGAGAAGAAAAGCAGCTCTT[G>T]TGATTTCCAAAAATAAAACTTGCAGAATTGCTATGGGCGTTAGGATGCAGATCATTCTTG-3'
Protein context (NP_996816.3, residues 122-142): SNSASFIFGN[His132Gln]KSCFSSPPSP

ClinVar aggregate classification (germline): Uncertain significance (1 of 4 stars; one submission).

gnomAD v4.1: 1 of 1,613,948 alleles (0.000062%); highest among the groups gnomAD compares: Admixed American, 0.0017%; no homozygotes.

Submission:

Labcorp Genetics (formerly Invitae), Labcorp
Classification: Uncertain significance. Last evaluated: 2022-07-19. Review status: criteria provided, single submitter. Criteria: Invitae Variant Classification Sherloc (09022015). Collection method: clinical testing. Allele origin: germline.
Comment: This sequence change replaces histidine, which is basic and polar, with glutamine, which is neutral and polar, at codon 132 of the USH2A protein (p.His132Gln). This variant is not present in population databases (gnomAD no frequency). This variant has not been reported in the literature in individuals affected with USH2A-related conditions. ClinVar contains an entry for this variant (Variation ID: 1470590). Algorithms developed to predict the effect of missense changes on protein structure and function (SIFT, PolyPhen-2, Align-GVGD) all suggest that this variant is likely to be tolerated. In summary, the available evidence is currently insufficient to determine the role of this variant in disease. Therefore, it has been classified as a Variant of Uncertain Significance.